The following is an entry in ClinVar:

NM_001375567.1(FOCAD):c.4940T>A (p.Leu1647Gln)

Gene: FOCAD (focadhesin; plus strand). Cytogenetic location: 9p21.3.
Variant type: single nucleotide variant.
Coding change: c.4940T>A on transcript NM_001375567.1 (MANE Select); coding-DNA position 4940, T replaced by A.
Protein change: p.Leu1647Gln; replaces leucine 1647 with glutamine.
Molecular consequence: missense variant.
Genome position (GRCh38, 1-based): chr9:20,988,365, T>A. VCF-style: chr9-20988365-T-A. GRCh37 (hg19) VCF-style: chr9-20988364-T-A.
Other names: c.4835T>A, p.Leu1612Gln (NM_001375568.1, NM_001375570.1); c.4940T>A, p.Leu1647Gln (NM_017794.5); short protein forms L1612Q, L1647Q.
Identifiers: ClinVar variation 4798239 (VCV004798239.1).
Genomic context (GRCh38, chr9:20,988,365, plus strand): 5'-AGTAAGAAAATACCCTTTTCATTTCAGGCGTTTTGAAGAGAATGGAGTGGCTCTTGGAAC[T>A]GATGGGTTATATTAGAAATGTTGCTTACCAGTCAACATCCTTTCACAATACGGCTCTTGA-3'
Protein context (NP_001362496.1, residues 1637-1657): VLKRMEWLLE[Leu1647Gln]MGYIRNVAYQ

ClinVar aggregate classification (germline): Uncertain significance (1 of 4 stars; one submission).

gnomAD v4.1: 6 of 1,612,042 alleles (0.00037%); highest among the groups gnomAD compares: Non-Finnish European, 0.00051%; no homozygotes.

Submission:

Labcorp Genetics (formerly Invitae), Labcorp
Classification: Uncertain significance. Last evaluated: 2025-12-10. Review status: criteria provided, single submitter. Criteria: Invitae Variant Classification Sherloc (09022015). Collection method: clinical testing. Allele origin: germline.
Comment: This sequence change replaces leucine, which is neutral and non-polar, with glutamine, which is neutral and polar, at codon 1647 of the FOCAD protein (p.Leu1647Gln). This variant is not present in population databases (gnomAD no frequency). This variant has not been reported in the literature in individuals affected with FOCAD-related conditions. Experimental studies and prediction algorithms are not available or were not evaluated, and the functional significance of this variant is currently unknown. In summary, the available evidence is currently insufficient to determine the role of this variant in disease. Therefore, it has been classified as a Variant of Uncertain Significance.